The following is an entry in ClinVar:

NM_001358530.2(MOCS1):c.783G>C (p.Met261Ile)

Gene: MOCS1 (molybdenum cofactor synthesis 1; minus strand). Cytogenetic location: 6p21.2.
Variant type: single nucleotide variant.
Coding change: c.783G>C on transcript NM_001358530.2 (MANE Select); coding-DNA position 783, G replaced by C.
Protein change: p.Met261Ile; replaces methionine 261 with isoleucine.
Molecular consequence: missense variant. On other transcripts: non-coding transcript variant (1).
Genome position (GRCh38, 1-based): chr6:39,912,979, C>G on the plus strand (G>C on the coding strand, the complement: MOCS1 is on the minus strand). VCF-style: chr6-39912979-C-G. GRCh37 (hg19) VCF-style: chr6-39880723-C-G.
Other names: c.783G>C, p.Met261Ile (NM_001075098.4, NM_001358529.2, NM_005943.6); c.522G>C, p.Met174Ile (NM_001358531.2, NM_001358533.2, NM_001358534.2); short protein forms M174I, M261I.
Identifiers: ClinVar variation 1355994 (VCV001355994.8), dbSNP rs2149403637, ClinGen allele CA364043760.

ClinVar aggregate classification (germline): Uncertain significance (1 of 4 stars; one submission).

Conditions:
Sulfite oxidase deficiency due to molybdenum cofactor deficiency type A. Also called: Molybdenum cofactor deficiency, complementation group A; Molybdenum Cofactor Deficiency A. Identifiers: Orphanet 308386, Orphanet 833, MedGen C1854988, MONDO:0009643, OMIM 252150.

Submission:

Labcorp Genetics (formerly Invitae), Labcorp
Classification: Uncertain significance for Sulfite oxidase deficiency due to molybdenum cofactor deficiency type A. Last evaluated: 2020-12-13. Review status: criteria provided, single submitter. Criteria: Invitae Variant Classification Sherloc (09022015). Collection method: clinical testing. Allele origin: germline.
Comment: In summary, the available evidence is currently insufficient to determine the role of this variant in disease. Therefore, it has been classified as a Variant of Uncertain Significance. Algorithms developed to predict the effect of missense changes on protein structure and function (SIFT, PolyPhen-2, Align-GVGD) all suggest that this variant is likely to be tolerated, but these predictions have not been confirmed by published functional studies and their clinical significance is uncertain. This variant has not been reported in the literature in individuals with MOCS1-related conditions. This variant is not present in population databases (ExAC no frequency). This sequence change replaces methionine with isoleucine at codon 261 of the MOCS1 protein (p.Met261Ile). The methionine residue is highly conserved and there is a small physicochemical difference between methionine and isoleucine.